The following is an entry in ClinVar:

ClinVar aggregate classification (germline): Likely benign. Review status: criteria provided, multiple submitters, no conflicts (2 of 4 stars). 3 submissions from 3 submitters: Likely benign (3). Last evaluated 2024-09-05.

Conditions:
Multiple endocrine neoplasia, type 2 (MEN2). Identifiers: Orphanet 653, MedGen C4048306, MONDO:0019003. Disease mechanism: gain of function.
Hereditary cancer-predisposing syndrome. Also called: Tumor predisposition; Hereditary Cancer Syndrome; Neoplastic Syndromes, Hereditary; Hereditary neoplastic syndrome. Identifiers: Orphanet 140162, MedGen C0027672, MeSH D009386, MONDO:0015356.

Submissions (3):

Labcorp Genetics (formerly Invitae), Labcorp
Classification: Likely benign for Multiple endocrine neoplasia, type 2. Last evaluated: 2024-09-05. Review status: criteria provided, single submitter. Criteria: Invitae Variant Classification Sherloc (09022015). Collection method: clinical testing. Allele origin: germline.

All of Us Research Program, National Institutes of Health
Classification: Likely benign for Multiple endocrine neoplasia, type 2. Last evaluated: 2023-10-27. Review status: criteria provided, single submitter. Criteria: ACMG Guidelines, 2015. Collection method: clinical testing. Allele origin: germline. Inheritance: Autosomal dominant inheritance. Observed: 1 variant allele, 1 heterozygote.
Comment: This study involves interpretation of variants in research participants for the purpose of population health screening. Participant phenotype was not available at the time of variant classification. Additional details can be found in publication PMID: 35346344, PMCID: PMC8962531

Ambry Genetics
Classification: Likely benign for Hereditary cancer-predisposing syndrome. Last evaluated: 2019-07-21. Review status: criteria provided, single submitter. Criteria: Ambry Variant Classification Scheme 2023. Collection method: clinical testing. Allele origin: germline.

NM_020975.6(RET):c.144G>T (p.Thr48=)

Gene: RET (ret proto-oncogene; plus strand). Cytogenetic location: 10q11.21.
Variant type: single nucleotide variant.
Coding change: c.144G>T on transcript NM_020975.6 (MANE Select); coding-DNA position 144, G replaced by T.
Protein change: p.Thr48=; no amino-acid change (threonine 48 retained).
Molecular consequence: synonymous variant. On other transcripts: intron variant (4).
Genome position (GRCh38, 1-based): chr10:43,100,529, G>T. VCF-style: chr10-43100529-G-T. GRCh37 (hg19) VCF-style: chr10-43595977-G-T.
Other names: c.144G>T, p.Thr48= (NM_000323.2, NM_001406743.1, NM_001406744.1 and 34 more transcripts); c.74-8502G>T (NM_001406784.1); c.74-11570G>T (NM_001406794.1, NM_001406792.1, NM_001406793.1).
Identifiers: ClinVar variation 1606749 (VCV001606749.12), dbSNP rs759872307, ClinGen allele CA469490452.